The following is an entry in ClinVar:

ClinVar aggregate classification (germline): Uncertain significance (1 of 4 stars; one submission).

Conditions:
Tuberous sclerosis 1 (TSC1). Identifiers: Orphanet 805, MedGen C1854465, MONDO:0008612, OMIM 191100.

Submission:

Labcorp Genetics (formerly Invitae), Labcorp
Classification: Uncertain significance for Tuberous sclerosis 1. Last evaluated: 2022-08-22. Review status: criteria provided, single submitter. Criteria: Invitae Variant Classification Sherloc (09022015). Collection method: clinical testing. Allele origin: germline.
Comment: In summary, the available evidence is currently insufficient to determine the role of this variant in disease. Therefore, it has been classified as a Variant of Uncertain Significance. Algorithms developed to predict the effect of missense changes on protein structure and function output the following: SIFT: "Tolerated"; PolyPhen-2: "Benign"; Align-GVGD: "Class C0". The valine amino acid residue is found in multiple mammalian species, which suggests that this missense change does not adversely affect protein function. This variant has not been reported in the literature in individuals affected with TSC1-related conditions. This variant is not present in population databases (gnomAD no frequency). This sequence change replaces leucine, which is neutral and non-polar, with valine, which is neutral and non-polar, at codon 576 of the TSC1 protein (p.Leu576Val).

NM_000368.5(TSC1):c.1726T>G (p.Leu576Val)

Gene: TSC1 (TSC complex subunit 1; minus strand). Cytogenetic location: 9q34.13.
Variant type: single nucleotide variant.
Coding change: c.1726T>G on transcript NM_000368.5 (MANE Select); coding-DNA position 1726, T replaced by G.
Protein change: p.Leu576Val; replaces leucine 576 with valine.
Molecular consequence: missense variant.
Genome position (GRCh38, 1-based): chr9:132,905,852, A>C on the plus strand (T>G on the coding strand, the complement: TSC1 is on the minus strand). VCF-style: chr9-132905852-A-C. GRCh37 (hg19) VCF-style: chr9-135781239-A-C.
Other names: c.1723T>G, p.Leu575Val (NM_001162426.2, NM_001406597.1, NM_001406598.1 and 6 more transcripts); c.1573T>G, p.Leu525Val (NM_001162427.2, NM_001406610.1); c.1363T>G, p.Leu455Val (NM_001362177.2, NM_001406618.1, NM_001406619.1 and 5 more transcripts); c.1726T>G, p.Leu576Val (NM_001406592.1, NM_001406593.1, NM_001406594.1 and 7 more transcripts); c.1360T>G, p.Leu454Val (NM_001406620.1, NM_001406621.1, NM_001406622.1 and 2 more transcripts); c.775T>G, p.Leu259Val (NM_001406626.1); c.772T>G, p.Leu258Val (NM_001406627.1, NM_001406628.1); c.673T>G, p.Leu225Val (NM_001406629.1, NM_001406630.1); and 1 more; short protein forms L225V, L258V, L259V, L454V, L455V, L524V, L525V, L575V.
Identifiers: ClinVar variation 1717773 (VCV001717773.5), dbSNP rs118203567, ClinGen allele CA375363964.